The following is an entry in ClinVar:

NM_139276.3(STAT3):c.551-4G>A

Gene: STAT3 (signal transducer and activator of transcription 3; minus strand). Cytogenetic location: 17q21.2.
Variant type: single nucleotide variant.
Coding change: c.551-4G>A on transcript NM_139276.3 (MANE Select); 4 bases into the intron before coding-DNA position 551, G replaced by A.
Molecular consequence: intron variant.
Genome position (GRCh38, 1-based): chr17:42,337,861, C>T on the plus strand (G>A on the coding strand, the complement: STAT3 is on the minus strand). VCF-style: chr17-42337861-C-T. GRCh37 (hg19) VCF-style: chr17-40489879-C-T.
Other names: c.455-4G>A (NM_001384989.1); c.551-4G>A (NM_001384992.1, NM_001384984.1, NM_001369519.1 and 15 more transcripts); c.473-4G>A (NM_001384985.1).
Identifiers: ClinVar variation 734135 (VCV000734135.25), dbSNP rs80162032, ClinGen allele CA8575606.

ClinVar aggregate classification (germline): Benign/Likely benign. Review status: criteria provided, multiple submitters, no conflicts (2 of 4 stars). 6 submissions from 6 submitters: Benign (3); Likely benign (2). 1 of the submissions does not count toward it. Last evaluated 2025-12-24.

Conditions:
Hyper-IgE recurrent infection syndrome 1, autosomal dominant. Also called: Job's Syndrome; JOB SYNDROME; Hyper-IgE recurrent infection syndrome 1; STAT3 Hyper IgE Syndrome; HYPER-IgE SYNDROME 1, AUTOSOMAL DOMINANT, WITH RECURRENT INFECTIONS. Identifiers: Orphanet 2314, MedGen C2936739, MONDO:0007818, OMIM 147060.
STAT3 gain of function. Identifiers: MedGen C4288261.
STAT3-related disorder. Also called: STAT3-related condition.

Allele frequency attached by ClinVar (database versions not stated): gnomAD exomes 0.00022 and 0.00037; ExAC 0.00050; TOPMed 0.00105; gnomAD 0.00109 and 0.00115; ESP Exome Variant Server 0.00123; 1000 Genomes Project 0.00140; 1000 Genomes Project 30x 0.00156.
gnomAD v4.1: 497 of 1,613,632 alleles (0.031%); highest among the groups gnomAD compares: African/African-American, 0.34%; 1 homozygote.

Submissions (6):

Labcorp Genetics (formerly Invitae), Labcorp
Classification: Benign for STAT3 gain of function; Hyper-IgE recurrent infection syndrome 1, autosomal dominant. Last evaluated: 2025-12-24. Review status: criteria provided, single submitter. Criteria: Invitae Variant Classification Sherloc (09022015). Collection method: clinical testing. Allele origin: germline.

CeGaT Center for Human Genetics Tuebingen
Classification: Likely benign. Last evaluated: 2025-09-01. Review status: criteria provided, single submitter. Criteria: CeGaT Center For Human Genetics Tuebingen Variant Classification Criteria Version 2. Collection method: clinical testing. Allele origin: germline. Affected: yes. Observed: 1 variant allele.
Comment: STAT3: BP4, BS1

Blueprint Genetics
Classification: Likely benign. Last evaluated: 2024-09-18. Review status: criteria provided, single submitter. Criteria: ACMG Guidelines, 2015. Collection method: clinical testing. Allele origin: germline.

Genetic Services Laboratory, University of Chicago
Classification: Benign. Last evaluated: 2020-10-30. Review status: criteria provided, single submitter. Criteria: ACMG Guidelines, 2015. Collection method: clinical testing. Allele origin: germline. Affected: no.

Women's Health and Genetics/Laboratory Corporation of America, LabCorp
Classification: Benign. Last evaluated: 2019-03-01. Review status: criteria provided, single submitter. Criteria: LabCorp Variant Classification Summary - May 2015. Collection method: clinical testing. Allele origin: germline.
Comment: Variant summary: STAT3 c.551-4G>A alters a non-conserved nucleotide located close to a canonical splice site and therefore could affect mRNA splicing, leading to a significantly altered protein sequence. 4/4 computational tools predict no significant impact on normal splicing. However, these predictions have yet to be confirmed by functional studies. The variant allele was found at a frequency of 0.00046 in 276526 control chromosomes, predominantly at a frequency of 0.0037 within the African subpopulation in the gnomAD database, including 1 homozygote. The observed variant frequency within African control individuals in the gnomAD database is approximately 1682 fold of the estimated maximal expected allele frequency for a pathogenic variant in STAT3 causing Hyper IgE Syndrome phenotype (2.2e-06), strongly suggesting that the variant is a benign polymorphism found primarily in populations of African origin. To our knowledge, no occurrence of c.551-4G>A in individuals affected with Hyper IgE Syndrome and no experimental evidence demonstrating its impact on protein function have been reported. No clinical diagnostic laboratories have submitted clinical-significance assessments for this variant to ClinVar after 2014. Based on the evidence outlined above, the variant was classified as benign.

PreventionGenetics, part of Exact Sciences
Classification: Likely benign for STAT3-related condition. Last evaluated: 2019-08-29. Review status: no assertion criteria provided. Collection method: clinical testing. Allele origin: germline. Not counted in ClinVar's aggregate classification.
Comment: This variant is classified as likely benign based on ACMG/AMP sequence variant interpretation guidelines (Richards et al. 2015 PMID: 25741868, with internal and published modifications).